The following is an entry in ClinVar:

ClinVar aggregate classification (germline): Uncertain significance. Review status: criteria provided, multiple submitters, no conflicts (2 of 4 stars). 2 submissions from 2 submitters: Uncertain significance (2). Last evaluated 2025-11-24.

Allele frequency attached by ClinVar (database versions not stated): gnomAD exomes 0.00025; ExAC 0.00032; ESP Exome Variant Server 0.00034; gnomAD 0.00066; TOPMed 0.00069; 1000 Genomes Project 0.00160; 1000 Genomes Project 30x 0.00172.
gnomAD v4.1: 482 of 1,613,898 alleles (0.03%); highest among the groups gnomAD compares: African/African-American, 0.15%; no homozygotes.

Submissions (2):

Labcorp Genetics (formerly Invitae), Labcorp
Classification: Uncertain significance. Last evaluated: 2025-11-24. Review status: criteria provided, single submitter. Criteria: Invitae Variant Classification Sherloc (09022015). Collection method: clinical testing. Allele origin: germline.
Comment: This sequence change replaces alanine, which is neutral and non-polar, with threonine, which is neutral and polar, at codon 237 of the NPAT protein (p.Ala237Thr). This variant is present in population databases (rs115251509, gnomAD 0.2%), and has an allele count higher than expected for a pathogenic variant. This variant has not been reported in the literature in individuals affected with NPAT-related conditions. ClinVar contains an entry for this variant (Variation ID: 1757145). An algorithm developed to predict the effect of missense changes on protein structure and function outputs the following: PolyPhen-2: "Benign". The threonine amino acid residue is found in multiple mammalian species, which suggests that this missense change does not adversely affect protein function. In summary, the available evidence is currently insufficient to determine the role of this variant in disease. Therefore, it has been classified as a Variant of Uncertain Significance.

Ambry Genetics
Classification: Uncertain significance. Last evaluated: 2022-09-04. Review status: criteria provided, single submitter. Criteria: Ambry Variant Classification Scheme 2023. Collection method: clinical testing. Allele origin: germline.
Comment: The p.A237T variant (also known as c.709G>A), located in coding exon 8 of the NPAT gene, results from a G to A substitution at nucleotide position 709. The alanine at codon 237 is replaced by threonine, an amino acid with similar properties. This amino acid position is conserved. In addition, this alteration is predicted to be tolerated by in silico analysis. Since supporting evidence is limited at this time, the clinical significance of this alteration remains unclear.

NM_002519.3(NPAT):c.709G>A (p.Ala237Thr)

Gene: NPAT (nuclear protein, coactivator of histone transcription; minus strand). Cytogenetic location: 11q22.3.
Variant type: single nucleotide variant.
Coding change: c.709G>A on transcript NM_002519.3 (MANE Select); coding-DNA position 709, G replaced by A.
Protein change: p.Ala237Thr; replaces alanine 237 with threonine.
Molecular consequence: missense variant.
Genome position (GRCh38, 1-based): chr11:108,186,499, C>T on the plus strand (G>A on the coding strand, the complement: NPAT is on the minus strand). VCF-style: chr11-108186499-C-T. GRCh37 (hg19) VCF-style: chr11-108057226-C-T.
Other names: c.709G>A, p.Ala237Thr (NM_001321307.1); short protein forms A237T.
Identifiers: ClinVar variation 1757145 (VCV001757145.7), dbSNP rs115251509, ClinGen allele CA6264214.
Genomic context (GRCh38, chr11:108,186,499, plus strand): 5'-CTCAGGAATATTTTAAGTTGCAAAGTTTGGCAGAGTCACTTACTTTTTCTACTGCAAAAG[C>T]GTTTGGATCTTGGAAATTCCGTATTGTTGAATGAGGGCCAGACAAAGTGGTACTTTTTCT-3'
Protein context (NP_002510.2, residues 227-247): STIRNFQDPN[Ala237Thr]FAVEKQMVIE